The following is an entry in ClinVar:

ClinVar aggregate classification (germline): Likely benign. Review status: criteria provided, multiple submitters, no conflicts (2 of 4 stars). 6 submissions from 6 submitters: Likely benign (5). 1 of the submissions does not count toward it. Last evaluated 2026-01-13.

Conditions:
PCSK9-related disorder. Also called: PCSK9-related condition; PCSK9-related disorders.
Cardiovascular phenotype. Identifiers: MedGen CN230736.
Familial hypercholesterolemia. Also called: Familial hypercholesterolaemia; Familial hypercholesterolemias. Identifiers: MedGen C0020445, MONDO:0005439.
Hypercholesterolemia, autosomal dominant, 3 (FHCL3). Also called: Familial Hypercholesterolemia, Autosomal Dominant, 3; PCSK9-Related Familial Hypercholesterolemia, Autosomal Dominant; Familial hypercholesterolemia 3. Identifiers: MedGen C1863551, MONDO:0011369, OMIM 603776.

Allele frequency attached by ClinVar (database versions not stated): gnomAD 0.00004 and 0.00005; TOPMed 0.00006; ESP Exome Variant Server 0.00008; 1000 Genomes Project 30x 0.00031; 1000 Genomes Project 0.00040.
gnomAD v4.1: 119 of 1,614,162 alleles (0.0074%); highest among the groups gnomAD compares: South Asian, 0.043%; no homozygotes.

Submissions (6):

Labcorp Genetics (formerly Invitae), Labcorp
Classification: Likely benign for Hypercholesterolemia, autosomal dominant, 3. Last evaluated: 2026-01-13. Review status: criteria provided, single submitter. Criteria: Invitae Variant Classification Sherloc (09022015). Collection method: clinical testing. Allele origin: germline.

All of Us Research Program, National Institutes of Health
Classification: Likely benign for Hypercholesterolemia, autosomal dominant, 3. Last evaluated: 2024-06-11. Review status: criteria provided, single submitter. Criteria: ACMG Guidelines, 2015. Collection method: clinical testing. Allele origin: germline. Inheritance: Autosomal dominant inheritance. Observed: 26 variant alleles, 26 heterozygotes.
Comment: This study involves interpretation of variants in research participants for the purpose of population health screening. Participant phenotype was not available at the time of variant classification. Additional details can be found in publication PMID: 35346344, PMCID: PMC8962531

Ambry Genetics
Classification: Likely benign for Cardiovascular phenotype. Last evaluated: 2022-10-13. Review status: criteria provided, single submitter. Criteria: Ambry Variant Classification Scheme 2023. Collection method: clinical testing. Allele origin: germline.

Color Diagnostics, LLC DBA Color Health
Classification: Likely benign for Familial hypercholesterolemia. Last evaluated: 2022-09-20. Review status: criteria provided, single submitter. Criteria: ACMG Guidelines, 2015. Collection method: clinical testing. Allele origin: germline.

Women's Health and Genetics/Laboratory Corporation of America, LabCorp
Classification: Likely benign. Last evaluated: 2019-02-04. Review status: criteria provided, single submitter. Criteria: LabCorp Variant Classification Summary - May 2015. Collection method: clinical testing. Allele origin: germline.
Comment: Variant summary: The variant, PCSK9 c.290G>A (p.Arg97His) results in a non-conservative amino acid change located in the propeptide domain (IPR010259) of the encoded protein sequence. Three of five in-silico tools predict a benign effect of the variant on protein function. The variant allele was found at a frequency of 0.00013 in 277064 control chromosomes, predominantly at a frequency of 0.00078 within the South Asian subpopulation in the gnomAD database. The observed variant frequency within South Asian control individuals in the gnomAD database is approximately 8 fold of the estimated maximal expected allele frequency for a pathogenic variant in PCSK9 causing Familial Hypercholesterolemia phenotype (9.4e-05), strongly suggesting that the variant is a benign polymorphism found primarily in populations of South Asian origin. To our knowledge, no occurrence of c.290G>A in individuals affected with Familial Hypercholesterolemia and no experimental evidence demonstrating its impact on protein function have been reported. One clinical diagnostic laboratory has submitted clinical-significance assessments for this variant to ClinVar after 2014 without evidence for independent evaluation and classified the variant as likely benign. Based on the evidence outlined above, the variant was classified as likely benign.

PreventionGenetics, part of Exact Sciences
Classification: Likely benign for PCSK9-related condition. Last evaluated: 2023-09-28. Review status: no assertion criteria provided. Collection method: clinical testing. Allele origin: germline. Not counted in ClinVar's aggregate classification.
Comment: This variant is classified as likely benign based on ACMG/AMP sequence variant interpretation guidelines (Richards et al. 2015 PMID: 25741868, with internal and published modifications).

NM_174936.4(PCSK9):c.290G>A (p.Arg97His)

Gene: PCSK9 (proprotein convertase subtilisin/kexin type 9; plus strand). Cytogenetic location: 1p32.3.
Variant type: single nucleotide variant.
Coding change: c.290G>A on transcript NM_174936.4 (MANE Select); coding-DNA position 290, G replaced by A.
Protein change: p.Arg97His; replaces arginine 97 with histidine.
Molecular consequence: missense variant.
Genome position (GRCh38, 1-based): chr1:55,043,925, G>A. VCF-style: chr1-55043925-G-A. GRCh37 (hg19) VCF-style: chr1-55509598-G-A.
Other names: short protein forms R97H.
Identifiers: ClinVar variation 468297 (VCV000468297.23), dbSNP rs376385276, ClinGen allele CA041309.